The following is an entry in ClinVar:

NM_006506.5(RASA2):c.502A>G (p.Thr168Ala)

Gene: RASA2 (RAS p21 protein activator 2; plus strand). Cytogenetic location: 3q23.
Variant type: single nucleotide variant.
Coding change: c.502A>G on transcript NM_006506.5 (MANE Select); coding-DNA position 502, A replaced by G.
Protein change: p.Thr168Ala; replaces threonine 168 with alanine.
Molecular consequence: missense variant.
Genome position (GRCh38, 1-based): chr3:141,540,584, A>G. VCF-style: chr3-141540584-A-G. GRCh37 (hg19) VCF-style: chr3-141259426-A-G.
Other names: c.502A>G, p.Thr168Ala (NM_001303245.3, NM_001303246.3); short protein forms T168A.
Identifiers: ClinVar variation 1744877 (VCV001744877.8), dbSNP rs770448162, ClinGen allele CA2645214.
Genomic context (GRCh38, chr3:141,540,584, plus strand): 5'-TCATTATAGGGTAAAGTTCACCTTGAATTAAAACTGAATGAACTGATAACGGAGAATGGA[A>G]CTGTATGCCAGCAGCTTGTTGTACAGTAAGCATTTTTTTTAACCAAAATCAACTAGAAAT-3'
Protein context (NP_006497.2, residues 158-178): KLNELITENG[Thr168Ala]VCQQLVVHIK

ClinVar aggregate classification (germline): Uncertain significance. Review status: criteria provided, multiple submitters, no conflicts (2 of 4 stars). 2 submissions from 2 submitters: Uncertain significance (2). Last evaluated 2024-08-19.

Allele frequency attached by ClinVar (database versions not stated): gnomAD exomes 0.00001; ExAC 0.00002.
gnomAD v4.1: 9 of 1,612,762 alleles (0.00056%); highest among the groups gnomAD compares: Non-Finnish European, 0.00076%; no homozygotes.

Submissions (2):

Ambry Genetics
Classification: Uncertain significance. Last evaluated: 2024-08-19. Review status: criteria provided, single submitter. Criteria: Ambry Variant Classification Scheme 2023. Collection method: clinical testing. Allele origin: germline.

Labcorp Genetics (formerly Invitae), Labcorp
Classification: Uncertain significance. Last evaluated: 2023-03-20. Review status: criteria provided, single submitter. Criteria: Invitae Variant Classification Sherloc (09022015). Collection method: clinical testing. Allele origin: germline.
Comment: Advanced modeling of protein sequence and biophysical properties (such as structural, functional, and spatial information, amino acid conservation, physicochemical variation, residue mobility, and thermodynamic stability) performed at Invitae indicates that this missense variant is not expected to disrupt RASA2 protein function. In summary, the available evidence is currently insufficient to determine the role of this variant in disease. Therefore, it has been classified as a Variant of Uncertain Significance. ClinVar contains an entry for this variant (Variation ID: 1744877). This sequence change replaces threonine, which is neutral and polar, with alanine, which is neutral and non-polar, at codon 168 of the RASA2 protein (p.Thr168Ala). This variant is present in population databases (rs770448162, gnomAD 0.003%). This variant has not been reported in the literature in individuals affected with RASA2-related conditions.